The following is an entry in ClinVar:

NM_006431.3(CCT2):c.1453A>G (p.Ile485Val)

Gene: CCT2 (chaperonin containing TCP1 subunit 2; plus strand). Cytogenetic location: 12q15.
Variant type: single nucleotide variant.
Coding change: c.1453A>G on transcript NM_006431.3 (MANE Select); coding-DNA position 1453, A replaced by G.
Protein change: p.Ile485Val; replaces isoleucine 485 with valine.
Molecular consequence: missense variant.
Genome position (GRCh38, 1-based): chr12:69,599,880, A>G. VCF-style: chr12-69599880-A-G. GRCh37 (hg19) VCF-style: chr12-69993660-A-G.
Other names: c.1312A>G, p.Ile438Val (NM_001198842.2); short protein forms I438V, I485V.
Identifiers: ClinVar variation 2799141 (VCV002799141.3), dbSNP rs1882099859, ClinGen allele CA385731672.
Genomic context (GRCh38, chr12:69,599,880, plus strand): 5'-TTTAGTTAAAACTGCTTTTTAGTAAATTTGTTTTTCTTTGCAGATATGAGGGAAGGCACC[A>G]TTGGAGATATGGCTATCCTGGGTATAACAGAAAGTTTTCAAGTGAAGCGACAGGTTCTTC-3'
Protein context (NP_006422.1, residues 475-495): TAGLDMREGT[Ile485Val]GDMAILGITE

ClinVar aggregate classification (germline): Uncertain significance (1 of 4 stars; one submission).

Allele frequency attached by ClinVar (database versions not stated): gnomAD 0.00001.
gnomAD v4.1: 1 of 1,612,880 alleles (0.000062%); highest among the groups gnomAD compares: Admixed American, 0.0017%; no homozygotes.

Submission:

Labcorp Genetics (formerly Invitae), Labcorp
Classification: Uncertain significance. Last evaluated: 2022-10-23. Review status: criteria provided, single submitter. Criteria: Invitae Variant Classification Sherloc (09022015). Collection method: clinical testing. Allele origin: germline.
Comment: This variant is not present in population databases (gnomAD no frequency). In summary, the available evidence is currently insufficient to determine the role of this variant in disease. Therefore, it has been classified as a Variant of Uncertain Significance. Algorithms developed to predict the effect of missense changes on protein structure and function (SIFT, PolyPhen-2, Align-GVGD) all suggest that this variant is likely to be tolerated. This variant has not been reported in the literature in individuals affected with CCT2-related conditions. This sequence change replaces isoleucine, which is neutral and non-polar, with valine, which is neutral and non-polar, at codon 485 of the CCT2 protein (p.Ile485Val).